The following is an entry in ClinVar:

NM_000494.4(COL17A1):c.2092+1G>A

Gene: COL17A1 (collagen type XVII alpha 1 chain; minus strand). Cytogenetic location: 10q25.1.
Variant type: single nucleotide variant.
Coding change: c.2092+1G>A on transcript NM_000494.4 (MANE Select); the canonical splice donor site of the intron after coding-DNA position 2092, G replaced by A.
Molecular consequence: splice donor variant.
Genome position (GRCh38, 1-based): chr10:104,050,847, C>T on the plus strand (G>A on the coding strand, the complement: COL17A1 is on the minus strand). VCF-style: chr10-104050847-C-T. GRCh37 (hg19) VCF-style: chr10-105810605-C-T.
Identifiers: ClinVar variation 2837036 (VCV002837036.3), dbSNP rs2493327043, ClinGen allele CA378069526.
Genomic context (GRCh38, chr10:104,050,847, plus strand): 5'-ATAGGCTGTGGGTCGTGTCCATCAGACCCTCACTGTCCCCCCAGGCCTCCCTCCAGCTTA[C>T]CTTTGACACCAGGAAGTCCTACTTCACCTCGGAGCCCTTGGAGACCTACAGGACCTGCCC-3'

ClinVar aggregate classification (germline): Likely pathogenic (1 of 4 stars; one submission).

Submission:

Labcorp Genetics (formerly Invitae), Labcorp
Classification: Likely pathogenic. Last evaluated: 2023-02-14. Review status: criteria provided, single submitter. Criteria: Invitae Variant Classification Sherloc (09022015). Collection method: clinical testing. Allele origin: germline.
Comment: This sequence change affects a donor splice site in intron 26 of the COL17A1 gene. It is expected to disrupt RNA splicing. Variants that disrupt the donor or acceptor splice site typically lead to a loss of protein function (PMID: 16199547), and loss-of-function variants in COL17A1 are known to be pathogenic (PMID: 16473856, 17344927, 20301304, 21357940, 24319098). This variant is not present in population databases (gnomAD no frequency). This variant has not been reported in the literature in individuals affected with COL17A1-related conditions. Algorithms developed to predict the effect of sequence changes on RNA splicing suggest that this variant may disrupt the consensus splice site. In summary, the currently available evidence indicates that the variant is pathogenic, but additional data are needed to prove that conclusively. Therefore, this variant has been classified as Likely Pathogenic.

Literature cited by the submitters: PubMed 16199547; PubMed 16473856; PubMed 17344927; PubMed 20301304; PubMed 21357940; PubMed 24319098.